The following is an entry in ClinVar:

NM_001844.5(COL2A1):c.3000G>A (p.Pro1000=)

Gene: COL2A1 (collagen type II alpha 1 chain; minus strand). Cytogenetic location: 12q13.11.
Variant type: single nucleotide variant.
Coding change: c.3000G>A on transcript NM_001844.5 (MANE Select); coding-DNA position 3000, G replaced by A.
Protein change: p.Pro1000=; no amino-acid change (proline 1000 retained).
Molecular consequence: synonymous variant.
Genome position (GRCh38, 1-based): chr12:47,978,294, C>T on the plus strand (G>A on the coding strand, the complement: COL2A1 is on the minus strand). VCF-style: chr12-47978294-C-T. GRCh37 (hg19) VCF-style: chr12-48372077-C-T.
Other names: c.2793G>A, p.Pro931= (NM_033150.3).
Identifiers: ClinVar variation 258232 (VCV000258232.25), dbSNP rs1793947, ClinGen allele CA6534933.

ClinVar aggregate classification (germline): Benign. Review status: criteria provided, multiple submitters, no conflicts (2 of 4 stars). 11 submissions from 10 submitters: Benign (9). 2 of the submissions do not count toward it. Last evaluated 2026-05-09.

Conditions:
Connective tissue disorder. Also called: Connective tissue disease. Identifiers: MedGen C0009782, MONDO:0003900.
Stickler syndrome type 1 (STL1). Also called: COL2A1-Related Stickler Syndrome; ARTHROOPHTHALMOPATHY, HEREDITARY PROGRESSIVE; STICKLER SYNDROME, MEMBRANOUS VITREOUS TYPE; STICKLER SYNDROME, VITREOUS TYPE 1. Identifiers: Orphanet 828, Orphanet 90653, MedGen C2020284, MONDO:0007160, OMIM 108300.
Type 2 collagenopathy. Identifiers: Orphanet 93421, MedGen C2931073, MONDO:0022800.

Allele frequency attached by ClinVar (database versions not stated): gnomAD 0.02436 and 0.02289; TOPMed 0.02560; gnomAD exomes 0.00612 and 0.00225; 1000 Genomes Project 30x 0.03061; ExAC 0.00796; ESP Exome Variant Server 0.02776; 1000 Genomes Project 0.02815.
gnomAD v4.1: 6,917 of 1,613,818 alleles (0.43%); highest among the groups gnomAD compares: African/African-American, 7.9%; 286 homozygotes.

Submissions (11):

Women's Health and Genetics/Laboratory Corporation of America, LabCorp
Classification: Benign. Last evaluated: 2026-05-09. Review status: criteria provided, single submitter. Criteria: LabCorp Variant Classification Summary - May 2015. Collection method: clinical testing. Allele origin: germline.

Labcorp Genetics (formerly Invitae), Labcorp
Classification: Benign. Last evaluated: 2026-02-03. Review status: criteria provided, single submitter. Criteria: Invitae Variant Classification Sherloc (09022015). Collection method: clinical testing. Allele origin: germline.

Genome Diagnostics Laboratory, The Hospital for Sick Children
Classification: Benign for Connective tissue disorder. Last evaluated: 2021-09-02. Review status: criteria provided, single submitter. Criteria: ACMG Guidelines, 2015. Collection method: clinical testing. Allele origin: germline.

Athena Diagnostics
Classification: Benign. Last evaluated: 2018-05-23. Review status: criteria provided, single submitter. Criteria: Athena Diagnostics Criteria. Collection method: clinical testing. Allele origin: germline.

Illumina Laboratory Services, Illumina
Classification: Benign for Type II Collagenopathies. Last evaluated: 2018-01-12. Review status: criteria provided, single submitter. Criteria: ICSL Variant Classification Criteria 13 December 2019. Collection method: clinical testing. Allele origin: germline.
Comment: This variant was observed in the ICSL laboratory as part of a predisposition screen in an ostensibly healthy population. It had not been previously curated by ICSL or reported in the Human Gene Mutation Database (HGMD: prior to June 1st, 2018), and was therefore a candidate for classification through an automated scoring system. Utilizing variant allele frequency, disease prevalence and penetrance estimates, and inheritance mode, an automated score was calculated to assess if this variant is too frequent to cause the disease. Based on the score and internal cut-off values, a variant classified as benign is not then subjected to further curation. The score for this variant resulted in a classification of benign for this disease.

Illumina Laboratory Services, Illumina
Classification: Benign for Stickler syndrome type 1. Last evaluated: 2018-01-12. Review status: criteria provided, single submitter. Criteria: ICSL Variant Classification Criteria 13 December 2019. Collection method: clinical testing. Allele origin: germline.
Comment: the same text as in the submission from Illumina Laboratory Services, Illumina above.

GeneDx
Classification: Benign. Last evaluated: 2016-10-10. Review status: criteria provided, single submitter. Criteria: GeneDx Variant Classification (06012015). Collection method: clinical testing. Allele origin: germline. Affected: yes.
Comment: This variant is considered likely benign or benign based on one or more of the following criteria: it is a conservative change, it occurs at a poorly conserved position in the protein, it is predicted to be benign by multiple in silico algorithms, and/or has population frequency not consistent with disease.

Breakthrough Genomics
Classification: Benign. Review status: criteria provided, single submitter. Criteria: ACMG Guidelines, 2015. Collection method: not provided. Allele origin: germline. Inheritance: Autosomal dominant inheritance. Affected: yes.

PreventionGenetics, part of Exact Sciences
Classification: Benign. Review status: criteria provided, single submitter. Criteria: ACMG Guidelines, 2015. Collection method: clinical testing. Allele origin: germline.

Genome Diagnostics Laboratory, Amsterdam University Medical Center
Classification: Benign. Review status: no assertion criteria provided. Collection method: clinical testing. Allele origin: germline. Affected: yes. Study: VKGL Data-share Consensus. Not counted in ClinVar's aggregate classification.

Joint Genome Diagnostic Labs from Nijmegen and Maastricht, Radboudumc and MUMC+
Classification: Benign. Review status: no assertion criteria provided. Collection method: clinical testing. Allele origin: germline. Affected: yes. Study: VKGL Data-share Consensus. Not counted in ClinVar's aggregate classification.